The following is an entry in ClinVar:

NM_001876.4(CPT1A):c.2246G>T (p.Arg749Leu)

Gene: CPT1A (carnitine palmitoyltransferase 1A; minus strand). Cytogenetic location: 11q13.3.
Variant type: single nucleotide variant.
Coding change: c.2246G>T on transcript NM_001876.4 (MANE Select); coding-DNA position 2246, G replaced by T.
Protein change: p.Arg749Leu; replaces arginine 749 with leucine.
Molecular consequence: missense variant. On other transcripts: intron variant (1).
Genome position (GRCh38, 1-based): chr11:68,757,720, C>A on the plus strand (G>T on the coding strand, the complement: CPT1A is on the minus strand). VCF-style: chr11-68757720-C-A. GRCh37 (hg19) VCF-style: chr11-68525188-C-A.
Other names: c.2235+1849G>T (NM_001031847.3); short protein forms R749L.
Identifiers: ClinVar variation 2446574 (VCV002446574.1), dbSNP rs777689947, ClinGen allele CA381624894.

ClinVar aggregate classification (germline): Uncertain significance (1 of 4 stars; one submission).

Submission:

GeneDx
Classification: Uncertain significance. Last evaluated: 2022-10-03. Review status: criteria provided, single submitter. Criteria: GeneDx Variant Classification Process June 2021. Collection method: clinical testing. Allele origin: germline. Affected: yes.
Comment: Not observed at significant frequency in large population cohorts (gnomAD); In silico analysis supports that this missense variant has a deleterious effect on protein structure/function; Has not been previously published as pathogenic or benign to our knowledge